The following is an entry in ClinVar:

ClinVar aggregate classification (germline): Uncertain significance. Review status: criteria provided, multiple submitters, no conflicts (2 of 4 stars). 2 submissions from 2 submitters: Uncertain significance (2). Last evaluated 2025-05-11.

Conditions:
Genitopatellar syndrome (GTPTS). Also called: Genitopatellar syndrome (GPS); ABSENT PATELLAE, SCROTAL HYPOPLASIA, RENAL ANOMALIES, FACIAL DYSMORPHISM, AND MENTAL RETARDATION. Identifiers: Orphanet 85201, MedGen C1853566, MONDO:0011640, OMIM 606170.
Inborn genetic diseases. Identifiers: MedGen C0950123, MeSH D030342.

gnomAD v4.1: 5 of 1,614,212 alleles (0.00031%); highest among the groups gnomAD compares: Non-Finnish European, 0.00042%; no homozygotes.

Submissions (2):

Labcorp Genetics (formerly Invitae), Labcorp
Classification: Uncertain significance for Genitopatellar syndrome. Last evaluated: 2025-05-11. Review status: criteria provided, single submitter. Criteria: Invitae Variant Classification Sherloc (09022015). Collection method: clinical testing. Allele origin: germline.
Comment: This sequence change replaces threonine, which is neutral and polar, with alanine, which is neutral and non-polar, at codon 1689 of the KAT6B protein (p.Thr1689Ala). This variant is not present in population databases (gnomAD no frequency). This variant has not been reported in the literature in individuals affected with KAT6B-related conditions. ClinVar contains an entry for this variant (Variation ID: 2315831). An algorithm developed to predict the effect of missense changes on protein structure and function (PolyPhen-2) suggests that this variant is likely to be tolerated. In summary, the available evidence is currently insufficient to determine the role of this variant in disease. Therefore, it has been classified as a Variant of Uncertain Significance.

Ambry Genetics
Classification: Uncertain significance for Inborn genetic diseases. Last evaluated: 2022-10-03. Review status: criteria provided, single submitter. Criteria: Ambry Variant Classification Scheme 2023. Collection method: clinical testing. Allele origin: germline.

NM_012330.4(KAT6B):c.5065A>G (p.Thr1689Ala)

Gene: KAT6B (lysine acetyltransferase 6B; plus strand). Cytogenetic location: 10q22.2.
Variant type: single nucleotide variant.
Coding change: c.5065A>G on transcript NM_012330.4 (MANE Select); coding-DNA position 5065, A replaced by G.
Protein change: p.Thr1689Ala; replaces threonine 1689 with alanine.
Molecular consequence: missense variant.
Genome position (GRCh38, 1-based): chr10:75,029,889, A>G. VCF-style: chr10-75029889-A-G. GRCh37 (hg19) VCF-style: chr10-76789647-A-G.
Other names: c.4516A>G, p.Thr1506Ala (NM_001256468.2, NM_001370138.1); c.4189A>G, p.Thr1397Ala (NM_001256469.2, NM_001370139.1, NM_001370140.1 and 2 more transcripts); c.4027A>G, p.Thr1343Ala (NM_001370132.1); c.3376A>G, p.Thr1126Ala (NM_001370133.1); c.2980A>G, p.Thr994Ala (NM_001370134.1); c.2722A>G, p.Thr908Ala (NM_001370135.1); c.5065A>G, p.Thr1689Ala (NM_001370136.1, NM_001370137.1); c.4000A>G, p.Thr1334Ala (NM_001370143.1, NM_001370144.1); short protein forms T1334A, T1689A, T1397A, T1506A, T908A, T1126A, T1343A, T994A.
Identifiers: ClinVar variation 2315831 (VCV002315831.3), dbSNP rs2549208081, ClinGen allele CA377299843.